The following is an entry in ClinVar:

ClinVar aggregate classification (germline): Likely pathogenic (1 of 4 stars; one submission).

Conditions:
Clark-Baraitser syndrome. Also called: BARAITSER SYNDROME; Mental retardation, tall stature, obesity, macrocephaly and typical facial features; Intellectual disability, autosomal dominant 49; MENTAL RETARDATION, AUTOSOMAL DOMINANT 49. Identifiers: Orphanet 600731, MedGen C2931130, MONDO:0030914, OMIM 617752.

Submission:

MGZ Medical Genetics Center
Classification: Likely pathogenic for Clark-Baraitser syndrome. Last evaluated: 2021-11-10. Review status: criteria provided, single submitter. Criteria: ACMG Guidelines, 2015. Collection method: clinical testing. Allele origin: germline. Affected: yes. Observed: 1 variant allele.
Comment: ACMG criteria applied: PVS1_STR, PS2_MOD, PM2_SUP

NM_001348323.3(TRIP12):c.6096_6109dup (p.Tyr2037Ter)

Gene: TRIP12 (thyroid hormone receptor interactor 12; minus strand). Cytogenetic location: 2q36.3.
Variant type: Duplication.
Coding change: c.6096_6109dup on transcript NM_001348323.3 (MANE Select); coding-DNA positions 6096 to 6109, 14 bases duplicated (GACTTGTGTGAACT).
Protein change: p.Tyr2037Ter; replaces tyrosine 2037 with a stop codon.
Molecular consequence: nonsense.
Genome position (GRCh38, 1-based): chr2:229,767,649-229,767,662, AGTTCACACAAGTC duplicated on the plus strand (GACTTGTGTGAACT on the coding strand, the reverse complement: TRIP12 is on the minus strand); duplicating any 14 consecutive bases within chr2:229,767,649-229,767,663 gives the same sequence; the c. name uses the placement nearest the transcript's 3' end. VCF-style (leftmost placement, unchanged base first): chr2-229767648-T-TAGTTCACACAAGTC. GRCh37 (hg19) VCF-style: chr2-230632364-T-TAGTTCACACAAGTC.
Other names: c.6015_6028dup, p.Tyr2010Ter (NM_001284214.2, NM_001348315.2); c.5970_5983dup, p.Tyr1995Ter (NM_001284215.2, NM_001348316.2); c.5061_5074dup, p.Tyr1692Ter (NM_001284216.2); c.5955_5968dup, p.Tyr1990Ter (NM_001348317.1, NM_001348318.2); c.6081_6094dup, p.Tyr2032Ter (NM_001348319.1, NM_001348320.2); c.6084_6097dup, p.Tyr2033Ter (NM_001348321.1); c.6096_6109dup, p.Tyr2037Ter (NM_001348322.1, NM_001348324.2, NM_001348325.2 and 2 more transcripts); c.6099_6112dup, p.Tyr2038Ter (NM_001348328.1, NM_001348329.2, NM_001348330.2); and 4 more; short protein forms Y1692*, Y1962*, Y1963*, Y1990*, Y1995*, Y2003*, Y2010*, Y2011*.
Identifiers: ClinVar variation 1709873 (VCV001709873.2), dbSNP rs2469687265, ClinGen allele CA2580065967.
Genomic context (GRCh38, chr2:229,767,648, plus strand): 5'-GCTGCTATCAACAGTTTTTCACGCATTATCTCAATGCTTGAATAGTCCGGCAACTTAAGA[T>TAGTTCACACAAGTC]AGTTCACACAAGTCATTACAGAGGGCAAGAAGTCATCTGGGTTTTCTGTTGATTCAAACG-3'